The following is an entry in ClinVar:

NM_033026.6(PCLO):c.8231G>A (p.Cys2744Tyr)

Gene: PCLO (piccolo presynaptic cytomatrix protein; minus strand). Cytogenetic location: 7q21.11.
Variant type: single nucleotide variant.
Coding change: c.8231G>A on transcript NM_033026.6 (MANE Select); coding-DNA position 8231, G replaced by A.
Protein change: p.Cys2744Tyr; replaces cysteine 2744 with tyrosine.
Molecular consequence: missense variant.
Genome position (GRCh38, 1-based): chr7:82,952,722, C>T on the plus strand (G>A on the coding strand, the complement: PCLO is on the minus strand). VCF-style: chr7-82952722-C-T. GRCh37 (hg19) VCF-style: chr7-82582038-C-T.
Other names: c.8231G>A, p.Cys2744Tyr (NM_014510.3); short protein forms C2744Y.
Identifiers: ClinVar variation 1481669 (VCV001481669.8), dbSNP rs755262348, ClinGen allele CA367911579.

ClinVar aggregate classification (germline): Uncertain significance (1 of 4 stars; one submission).

Allele frequency attached by ClinVar (database versions not stated): TOPMed 0.00001.
gnomAD v4.1: 36 of 1,613,580 alleles (0.0022%); highest among the groups gnomAD compares: Non-Finnish European, 0.0029%; no homozygotes.

Submission:

Labcorp Genetics (formerly Invitae), Labcorp
Classification: Uncertain significance. Last evaluated: 2022-09-01. Review status: criteria provided, single submitter. Criteria: Invitae Variant Classification Sherloc (09022015). Collection method: clinical testing. Allele origin: germline.
Comment: In summary, the available evidence is currently insufficient to determine the role of this variant in disease. Therefore, it has been classified as a Variant of Uncertain Significance. Algorithms developed to predict the effect of missense changes on protein structure and function are either unavailable or do not agree on the potential impact of this missense change (SIFT: "Deleterious"; PolyPhen-2: "Not Available"; Align-GVGD: "Class C0"). ClinVar contains an entry for this variant (Variation ID: 1481669). This variant has not been reported in the literature in individuals affected with PCLO-related conditions. This variant is present in population databases (no rsID available, gnomAD 0.002%). This sequence change replaces cysteine, which is neutral and slightly polar, with tyrosine, which is neutral and polar, at codon 2744 of the PCLO protein (p.Cys2744Tyr).